The following is an entry in ClinVar:

NM_004366.6(CLCN2):c.2257C>T (p.Arg753Ter)

Gene: CLCN2 (chloride voltage-gated channel 2; minus strand). Cytogenetic location: 3q27.1.
Variant type: single nucleotide variant.
Coding change: c.2257C>T on transcript NM_004366.6 (MANE Select); coding-DNA position 2257, C replaced by T.
Protein change: p.Arg753Ter; replaces arginine 753 with a stop codon.
Molecular consequence: nonsense.
Genome position (GRCh38, 1-based): chr3:184,352,457, G>A on the plus strand (C>T on the coding strand, the complement: CLCN2 is on the minus strand). VCF-style: chr3-184352457-G-A. GRCh37 (hg19) VCF-style: chr3-184070245-G-A.
Other names: c.2206C>T, p.Arg736Ter (NM_001171087.3); c.2125C>T, p.Arg709Ter (NM_001171088.3); c.2257C>T, p.Arg753Ter (NM_001171089.3); short protein forms R709*, R736*, R753*.
Identifiers: ClinVar variation 2418913 (VCV002418913.6), dbSNP rs1370370740, ClinGen allele CA355447511.

ClinVar aggregate classification (germline): Pathogenic (1 of 4 stars; one submission).

Allele frequency attached by ClinVar (database versions not stated): TOPMed below 0.00001; gnomAD exomes 0.00001.
gnomAD v4.1: 11 of 1,613,274 alleles (0.00068%); highest among the groups gnomAD compares: South Asian, 0.0022%; no homozygotes.

Submission:

Labcorp Genetics (formerly Invitae), Labcorp
Classification: Pathogenic. Last evaluated: 2025-06-04. Review status: criteria provided, single submitter. Criteria: Invitae Variant Classification Sherloc (09022015). Collection method: clinical testing. Allele origin: germline.
Comment: This sequence change creates a premature translational stop signal (p.Arg753*) in the CLCN2 gene. It is expected to result in an absent or disrupted protein product. Loss-of-function variants in CLCN2 are known to be pathogenic (PMID: 23707145). This variant is present in population databases (no rsID available, gnomAD 0.008%). This premature translational stop signal has been observed in individual(s) with leukoencephalopathy with ataxia (PMID: 31291907). ClinVar contains an entry for this variant (Variation ID: 2418913). For these reasons, this variant has been classified as Pathogenic.

Literature cited by the submitters: PubMed 23707145; PubMed 31291907.